The following is an entry in ClinVar:

ClinVar aggregate classification (germline): Uncertain significance (1 of 4 stars; one submission).

gnomAD v4.1: 7 of 1,613,812 alleles (0.00043%); highest among the groups gnomAD compares: Non-Finnish European, 0.00059%; no homozygotes.

Submission:

Labcorp Genetics (formerly Invitae), Labcorp
Classification: Uncertain significance. Last evaluated: 2025-02-23. Review status: criteria provided, single submitter. Criteria: Invitae Variant Classification Sherloc (09022015). Collection method: clinical testing. Allele origin: germline.
Comment: This sequence change replaces aspartic acid, which is acidic and polar, with valine, which is neutral and non-polar, at codon 431 of the SLC20A2 protein (p.Asp431Val). This variant is not present in population databases (gnomAD no frequency). This variant has not been reported in the literature in individuals affected with SLC20A2-related conditions. Invitae Evidence Modeling of protein sequence and biophysical properties (such as structural, functional, and spatial information, amino acid conservation, physicochemical variation, residue mobility, and thermodynamic stability) has been performed for this missense variant. However, the output from this modeling did not meet the statistical confidence thresholds required to predict the impact of this variant on SLC20A2 protein function. In summary, the available evidence is currently insufficient to determine the role of this variant in disease. Therefore, it has been classified as a Variant of Uncertain Significance.

NM_001257180.2(SLC20A2):c.1292A>T (p.Asp431Val)

Gene: SLC20A2 (solute carrier family 20 member 2; minus strand). Cytogenetic location: 8p11.21.
Variant type: single nucleotide variant.
Coding change: c.1292A>T on transcript NM_001257180.2 (MANE Select); coding-DNA position 1292, A replaced by T.
Protein change: p.Asp431Val; replaces aspartic acid 431 with valine.
Molecular consequence: missense variant.
Genome position (GRCh38, 1-based): chr8:42,437,220, T>A on the plus strand (A>T on the coding strand, the complement: SLC20A2 is on the minus strand). VCF-style: chr8-42437220-T-A. GRCh37 (hg19) VCF-style: chr8-42294738-T-A.
Other names: c.1292A>T, p.Asp431Val (NM_001257181.2, NM_006749.5); short protein forms D431V.
Identifiers: ClinVar variation 4766438 (VCV004766438.1).